The following is an entry in ClinVar:

NM_000268.4(NF2):c.1092A>G (p.Lys364=)

Gene: NF2 (NF2, moesin-ezrin-radixin like (MERLIN) tumor suppressor; plus strand). Cytogenetic location: 22q12.2.
Variant type: single nucleotide variant.
Coding change: c.1092A>G on transcript NM_000268.4 (MANE Select); coding-DNA position 1092, A replaced by G.
Protein change: p.Lys364=; no amino-acid change (lysine 364 retained).
Molecular consequence: synonymous variant. On other transcripts: non-coding transcript variant (1), intron variant (1).
Genome position (GRCh38, 1-based): chr22:29,671,918, A>G. VCF-style: chr22-29671918-A-G. GRCh37 (hg19) VCF-style: chr22-30067907-A-G.
Other names: c.1092A>G, p.Lys364= (NM_016418.5, NM_181825.3, NM_181832.3); c.966A>G, p.Lys322= (NM_181828.3); c.969A>G, p.Lys323= (NM_181829.3); c.843A>G, p.Lys281= (NM_181830.3, NM_181831.3); c.448-22834A>G (NM_181833.3).
Identifiers: ClinVar variation 1581127 (VCV001581127.11), dbSNP rs1601644296, ClinGen allele CA514184933.
Genomic context (GRCh38, chr22:29,671,918, plus strand): 5'-GATGAGGGAGGAGGCTGAACGCACGAGGGATGAGTTGGAGAGGAGGCTGCTGCAGATGAA[A>G]GAAGAAGCAACAATGGCCAACGAAGCACTGGTGATTTCTGAGGGGCTGGGGTTCCAGGAG-3'
Protein context (NP_000259.1, residues 354-374): DELERRLLQM[Lys364=]EEATMANEAL

ClinVar aggregate classification (germline): Likely benign. Review status: criteria provided, multiple submitters, no conflicts (2 of 4 stars). 3 submissions from 3 submitters: Likely benign (3). Last evaluated 2025-09-05.

Conditions:
Hereditary cancer-predisposing syndrome. Also called: Tumor predisposition; Hereditary Cancer Syndrome; Hereditary neoplastic syndrome; Neoplastic Syndromes, Hereditary. Identifiers: Orphanet 140162, MedGen C0027672, MeSH D009386, MONDO:0015356.
Neurofibromatosis, type 2 (SWNV). Also called: BILATERAL ACOUSTIC NEUROFIBROMATOSIS; SCHWANNOMATOSIS, VESTIBULAR; NF2-Related Schwannomatosis. Identifiers: Orphanet 637, MedGen C0027832, MONDO:0007039, OMIM 101000. Disease mechanism: loss of function.

Submissions (3):

Labcorp Genetics (formerly Invitae), Labcorp
Classification: Likely benign for Neurofibromatosis, type 2. Last evaluated: 2025-09-05. Review status: criteria provided, single submitter. Criteria: Invitae Variant Classification Sherloc (09022015). Collection method: clinical testing. Allele origin: germline.

All of Us Research Program, National Institutes of Health
Classification: Likely benign for Neurofibromatosis, type 2. Last evaluated: 2023-06-26. Review status: criteria provided, single submitter. Criteria: ACMG Guidelines, 2015. Collection method: clinical testing. Allele origin: germline. Inheritance: Autosomal dominant inheritance. Observed: 1 variant allele, 1 heterozygote.
Comment: This study involves interpretation of variants in research participants for the purpose of population health screening. Participant phenotype was not available at the time of variant classification. Additional details can be found in publication PMID: 35346344, PMCID: PMC8962531

Ambry Genetics
Classification: Likely benign for Hereditary cancer-predisposing syndrome. Last evaluated: 2022-05-30. Review status: criteria provided, single submitter. Criteria: Ambry Variant Classification Scheme 2023. Collection method: clinical testing. Allele origin: germline.